The following is an entry in ClinVar:

NM_004004.6(GJB2):c.475G>A (p.Asp159Asn)

Gene: GJB2 (gap junction protein beta 2; minus strand). Cytogenetic location: 13q12.11.
Variant type: single nucleotide variant.
Coding change: c.475G>A on transcript NM_004004.6 (MANE Select); coding-DNA position 475, G replaced by A.
Protein change: p.Asp159Asn; replaces aspartic acid 159 with asparagine.
Molecular consequence: missense variant.
Genome position (GRCh38, 1-based): chr13:20,189,107, C>T on the plus strand (G>A on the coding strand, the complement: GJB2 is on the minus strand). VCF-style: chr13-20189107-C-T. GRCh37 (hg19) VCF-style: chr13-20763246-C-T.
Other names: short protein forms D159N.
Identifiers: ClinVar variation 438618 (VCV000438618.9), dbSNP rs373684994, ClinGen allele CA6904259.

ClinVar aggregate classification (germline): Uncertain significance. Review status: criteria provided, multiple submitters, no conflicts (2 of 4 stars). 5 submissions from 5 submitters: Uncertain significance (5). Last evaluated 2025-11-16.

Conditions:
Autosomal recessive nonsyndromic hearing loss 1A (DFNB1A). Also called: Nonsyndromic Hearing Loss and Deafness, DFNB1; GJB6-Related DFNB 1 Nonsyndromic Hearing Loss and Deafness; Deafness, autosomal recessive 1A; Connexin 26 deafness; Deafness nonsyndromic, Connexin 26 linked; GJB2-Related Autosomal Recessive Nonsyndromic Hearing Loss. Identifiers: Orphanet 90636, MedGen C2673759, MONDO:0009076, OMIM 220290.

Allele frequency attached by ClinVar (database versions not stated): ESP Exome Variant Server 0.00008; TOPMed 0.00008.
gnomAD v4.1: 77 of 1,614,000 alleles (0.0048%); highest among the groups gnomAD compares: Non-Finnish European, 0.0059%; no homozygotes.

Submissions (5):

GeneDx
Classification: Uncertain significance. Last evaluated: 2025-11-16. Review status: criteria provided, single submitter. Criteria: GeneDx Variant Classification Process June 2021. Collection method: clinical testing. Allele origin: germline. Affected: yes.
Comment: In vitro functional studies suggest the variant does not affect voltage-activation of hemichannels; however, data was not available for review (PMID: 17077310); In silico analysis suggests that this missense variant does not alter protein structure/function; This variant is associated with the following publications: (PMID: 25087612, 19366456, 25493717, 14985372, 17666888, 17041943, 17077310, 16380907, 25388846, 36048236)

Labcorp Genetics (formerly Invitae), Labcorp
Classification: Uncertain significance. Last evaluated: 2024-05-02. Review status: criteria provided, single submitter. Criteria: Invitae Variant Classification Sherloc (09022015). Collection method: clinical testing. Allele origin: germline.
Comment: This sequence change replaces aspartic acid, which is acidic and polar, with asparagine, which is neutral and polar, at codon 159 of the GJB2 protein (p.Asp159Asn). This variant is present in population databases (rs373684994, gnomAD 0.02%). This missense change has been observed in individual(s) with deafness (PMID: 16380907, 17666888, 25493717). ClinVar contains an entry for this variant (Variation ID: 438618). Algorithms developed to predict the effect of missense changes on protein structure and function output the following: SIFT: "Not Available"; PolyPhen-2: "Benign"; Align-GVGD: "Not Available". The asparagine amino acid residue is found in multiple mammalian species, which suggests that this missense change does not adversely affect protein function. This variant disrupts the p.Asp159 amino acid residue in GJB2. Other variant(s) that disrupt this residue have been observed in individuals with GJB2-related conditions (Invitae), which suggests that this may be a clinically significant amino acid residue. In summary, the available evidence is currently insufficient to determine the role of this variant in disease. Therefore, it has been classified as a Variant of Uncertain Significance.

Women's Health and Genetics/Laboratory Corporation of America, LabCorp
Classification: Uncertain significance. Last evaluated: 2022-07-28. Review status: criteria provided, single submitter. Criteria: LabCorp Variant Classification Summary - May 2015. Collection method: clinical testing. Allele origin: germline.
Comment: Variant summary: GJB2 c.475G>A (p.Asp159Asn) results in a conservative amino acid change located in the Connexin, N-terminal domain (IPR013092) of the encoded protein sequence. Five of five in-silico tools predict a benign effect of the variant on protein function. The variant allele was found at a frequency of 8.4e-05 in 251088 control chromosomes. This frequency is not significantly higher than estimated for a pathogenic variant in GJB2 causing Non-Syndromic Hearing Loss (8.4e-05 vs 0.00034), allowing no conclusion about variant significance. c.475G>A has been reported in the literature in cohorts with hearing loss (example, Cryns_2004, Snoeckx_2005, Putcha_2007, Dai_2009, Qing_2015). These report(s) do not provide unequivocal conclusions about association of the variant with Non-Syndromic Hearing Loss. To our knowledge, no experimental evidence demonstrating an impact on protein function has been reported. Four clinical diagnostic laboratories have submitted clinical-significance assessments for this variant to ClinVar after 2014 without evidence for independent evaluation. All laboratories classified the variant as uncertain significance. Based on the evidence outlined above, the variant was classified as uncertain significance.

Myriad Genetics, Inc.
Classification: Uncertain significance for Autosomal recessive nonsyndromic hearing loss 1A. Last evaluated: 2021-11-09. Review status: criteria provided, single submitter. Criteria: Myriad Women's Health Autosomal Recessive and X-Linked Classification Criteria (2021). Collection method: clinical testing. Allele origin: unknown.
Comment: NM_004004.5(GJB2):c.475G>A(D159N) is a missense variant classified as a variant of uncertain significance in the context of GJB2-related DFNB1 nonsyndromic hearing loss and deafness. D159N has been observed in cases with relevant disease (PMID: 19366456, 17666888, 14985372). Functional assessments of this variant are available in the literature (PMID: 17077310). D159N has been observed in population frequency databases (gnomAD: NFE 0.02%). In summary, there is insufficient evidence to classify NM_004004.5(GJB2):c.475G>A(D159N) as pathogenic or benign. Please note: this variant was assessed in the context of healthy population screening.

Genomic Diagnostic Laboratory, Division of Genomic Diagnostics, Children's Hospital of Philadelphia
Classification: Uncertain significance for Deafness, autosomal recessive 1A. Last evaluated: 2017-05-09. Review status: criteria provided, single submitter. Criteria: DGD Variant Analysis Guidelines. Collection method: clinical testing. Allele origin: germline. Affected: yes. Observed: 1 variant allele.

Literature cited by the submitters: PubMed 16380907 (cited by Labcorp Genetics (formerly Invitae), Labcorp and Women's Health and Genetics/Laboratory Corporation of America, LabCorp); PubMed 17666888 (cited by 3 submitters); PubMed 25493717 (cited by Labcorp Genetics (formerly Invitae), Labcorp and Women's Health and Genetics/Laboratory Corporation of America, LabCorp); PubMed 14985372 (cited by Women's Health and Genetics/Laboratory Corporation of America, LabCorp and Myriad Genetics, Inc.); PubMed 19366456 (cited by Women's Health and Genetics/Laboratory Corporation of America, LabCorp and Myriad Genetics, Inc.); PubMed 33466560 (cited by Women's Health and Genetics/Laboratory Corporation of America, LabCorp); PubMed 17077310 (cited by Myriad Genetics, Inc.).